The following is an entry in ClinVar:

ClinVar aggregate classification (germline): Likely benign (1 of 4 stars; one submission).

Allele frequency attached by ClinVar (database versions not stated): 1000 Genomes Project 0.00379; 1000 Genomes Project 30x 0.00390; gnomAD 0.00404; TOPMed 0.00472.

Submission:

CeGaT Center for Human Genetics Tuebingen
Classification: Likely benign. Last evaluated: 2024-11-01. Review status: criteria provided, single submitter. Criteria: CeGaT Center For Human Genetics Tuebingen Variant Classification Criteria Version 2. Collection method: clinical testing. Allele origin: germline. Affected: yes. Observed: 4 variant alleles.
Comment: CACNA1A: BS1

NC_000019.10:g.13198071A>T

Gene: CACNA1A (calcium voltage-gated channel subunit alpha1 A; minus strand). Cytogenetic location: 19p13.13.
Variant type: single nucleotide variant.
Genome position: GRCh38 VCF-style: chr19-13198071-A-T. GRCh37 (hg19) VCF-style: chr19-13308885-A-T.
Identifiers: ClinVar variation 2649373 (VCV002649373.24), dbSNP rs186360114, ClinGen allele CA305538607.